The following is an entry in ClinVar:

ClinVar aggregate classification (germline): Uncertain significance. Review status: criteria provided, multiple submitters, no conflicts (2 of 4 stars). 8 submissions from 8 submitters: Uncertain significance (8). Last evaluated 2024-07-17.

Conditions:
Spastic paraplegia. Identifiers: MedGen C0037772, HP:0001258.
Inborn genetic diseases. Identifiers: MedGen C0950123, MeSH D030342.
Hereditary spastic paraplegia 15 (SPG15). Also called: KJELLIN SYNDROME; SPASTIC PARAPLEGIA 15, AUTOSOMAL RECESSIVE; SPASTIC PARAPLEGIA AND RETINAL DEGENERATION. Identifiers: Orphanet 100996, MedGen C1849128, MONDO:0010044, OMIM 270700.

Allele frequency attached by ClinVar (database versions not stated): gnomAD exomes 0.00001 and 0.00007; TOPMed 0.00001.
gnomAD v4.1: 40 of 1,614,220 alleles (0.0025%); highest among the groups gnomAD compares: Middle Eastern, 0.59%; no homozygotes.

Submissions (8):

Blueprint Genetics
Classification: Uncertain significance. Last evaluated: 2024-07-17. Review status: criteria provided, single submitter. Criteria: ACMG Guidelines, 2015. Collection method: clinical testing. Allele origin: germline.

Revvity Omics, Revvity
Classification: Uncertain significance for Hereditary spastic paraplegia 15. Last evaluated: 2023-11-06. Review status: criteria provided, single submitter. Criteria: ACMG Guidelines, 2015. Collection method: clinical testing. Allele origin: germline.

Labcorp Genetics (formerly Invitae), Labcorp
Classification: Uncertain significance for Spastic paraplegia. Last evaluated: 2022-04-10. Review status: criteria provided, single submitter. Criteria: Invitae Variant Classification Sherloc (09022015). Collection method: clinical testing. Allele origin: germline.
Comment: This sequence change replaces asparagine, which is neutral and polar, with aspartic acid, which is acidic and polar, at codon 2471 of the ZFYVE26 protein (p.Asn2471Asp). This variant is present in population databases (no rsID available, gnomAD 0.003%). This variant has not been reported in the literature in individuals affected with ZFYVE26-related conditions. ClinVar contains an entry for this variant (Variation ID: 313874). Algorithms developed to predict the effect of missense changes on protein structure and function (SIFT, PolyPhen-2, Align-GVGD) all suggest that this variant is likely to be tolerated. In summary, the available evidence is currently insufficient to determine the role of this variant in disease. Therefore, it has been classified as a Variant of Uncertain Significance.

Ambry Genetics
Classification: Uncertain significance for Inborn genetic diseases. Last evaluated: 2022-01-26. Review status: criteria provided, single submitter. Criteria: Ambry Variant Classification Scheme 2023. Collection method: clinical testing. Allele origin: germline.

Baylor Genetics
Classification: Uncertain significance for Hereditary spastic paraplegia 15. Last evaluated: 2020-02-04. Review status: criteria provided, single submitter. Criteria: ACMG Guidelines, 2015. Collection method: clinical testing. Allele origin: unknown. Affected: yes.
Comment: This variant was determined to be of uncertain significance according to ACMG Guidelines, 2015 [PMID:25741868].

Illumina Laboratory Services, Illumina
Classification: Uncertain significance for Hereditary spastic paraplegia 15. Last evaluated: 2018-01-13. Review status: criteria provided, single submitter. Criteria: ICSL Variant Classification Criteria 13 December 2019. Collection method: clinical testing. Allele origin: germline.

Eurofins Ntd Llc (ga)
Classification: Uncertain significance. Last evaluated: 2017-04-18. Review status: criteria provided, single submitter. Criteria: EGL Classification Definitions 2015. Collection method: clinical testing. Allele origin: germline. Observed: 1 variant allele, 1 heterozygote.

Breakthrough Genomics
Classification: Uncertain significance. Review status: criteria provided, single submitter. Criteria: ACMG Guidelines, 2015. Collection method: not provided. Allele origin: germline. Inheritance: Autosomal recessive inheritance. Affected: yes.

NM_015346.4(ZFYVE26):c.7411A>G (p.Asn2471Asp)

Gene: ZFYVE26 (zinc finger FYVE-type containing 26; minus strand). Cytogenetic location: 14q24.1.
Variant type: single nucleotide variant.
Coding change: c.7411A>G on transcript NM_015346.4 (MANE Select); coding-DNA position 7411, A replaced by G.
Protein change: p.Asn2471Asp; replaces asparagine 2471 with aspartic acid.
Molecular consequence: missense variant.
Genome position (GRCh38, 1-based): chr14:67,751,057, T>C on the plus strand (A>G on the coding strand, the complement: ZFYVE26 is on the minus strand). VCF-style: chr14-67751057-T-C. GRCh37 (hg19) VCF-style: chr14-68217774-T-C.
Other names: short protein forms N2471D.
Identifiers: ClinVar variation 313874 (VCV000313874.20), dbSNP rs868606135, ClinGen allele CA10640695.